The following is an entry in ClinVar:

ClinVar aggregate classification (germline): Uncertain significance (1 of 4 stars; one submission).

Conditions:
Spastic paraplegia. Identifiers: MedGen C0037772, HP:0001258.

Submission:

Labcorp Genetics (formerly Invitae), Labcorp
Classification: Uncertain significance for Spastic paraplegia. Last evaluated: 2022-07-08. Review status: criteria provided, single submitter. Criteria: Invitae Variant Classification Sherloc (09022015). Collection method: clinical testing. Allele origin: germline.
Comment: This sequence change replaces aspartic acid, which is acidic and polar, with glutamic acid, which is acidic and polar, at codon 495 of the CYP7B1 protein (p.Asp495Glu). This variant is not present in population databases (gnomAD no frequency). This variant has not been reported in the literature in individuals affected with CYP7B1-related conditions. Algorithms developed to predict the effect of missense changes on protein structure and function output the following: SIFT: "Tolerated"; PolyPhen-2: "Benign"; Align-GVGD: "Class C0". The glutamic acid amino acid residue is found in multiple mammalian species, which suggests that this missense change does not adversely affect protein function. In summary, the available evidence is currently insufficient to determine the role of this variant in disease. Therefore, it has been classified as a Variant of Uncertain Significance.

NM_004820.5(CYP7B1):c.1485T>A (p.Asp495Glu)

Gene: CYP7B1 (cytochrome P450 family 7 subfamily B member 1; minus strand). Cytogenetic location: 8q12.3.
Variant type: single nucleotide variant.
Coding change: c.1485T>A on transcript NM_004820.5 (MANE Select); coding-DNA position 1485, T replaced by A.
Protein change: p.Asp495Glu; replaces aspartic acid 495 with glutamic acid.
Molecular consequence: missense variant. On other transcripts: intron variant (1).
Genome position (GRCh38, 1-based): chr8:64,596,678, A>T on the plus strand (T>A on the coding strand, the complement: CYP7B1 is on the minus strand). VCF-style: chr8-64596678-A-T. GRCh37 (hg19) VCF-style: chr8-65509235-A-T.
Other names: c.1234-6834T>A (NM_001324112.2); short protein forms D495E.
Identifiers: ClinVar variation 2193038 (VCV002193038.1), dbSNP rs1192513250, ClinGen allele CA371333071.